The following is an entry in ClinVar:

NM_001376.5(DYNC1H1):c.4898del (p.Gly1633fs)

Gene: DYNC1H1 (dynein cytoplasmic 1 heavy chain 1; plus strand). Cytogenetic location: 14q32.31.
Variant type: Deletion.
Coding change: c.4898del on transcript NM_001376.5 (MANE Select); coding-DNA position 4898, one base deleted (G; older notation c.4898delG).
Protein change: p.Gly1633fs; shifts the reading frame from glycine 1633.
Molecular consequence: frameshift variant.
Genome position (GRCh38, 1-based): chr14:102,004,532, G deleted; the last of 3 consecutive G bases (chr14:102,004,530-102,004,532); deleting any one gives the same sequence. VCF-style (leftmost placement, unchanged base first): chr14-102004529-TG-T. GRCh37 (hg19) VCF-style: chr14-102470866-TG-T.
Other names: c.4898delG, p.Gly1633Valfs (NM_001376.4); short protein forms G1633fs.
Identifiers: ClinVar variation 2446565 (VCV002446565.1), dbSNP rs2503738144, ClinGen allele CA2580088411.

ClinVar aggregate classification (germline): Uncertain significance (1 of 4 stars; one submission).

Submission:

GeneDx
Classification: Uncertain significance. Last evaluated: 2023-03-24. Review status: criteria provided, single submitter. Criteria: GeneDx Variant Classification Process June 2021. Collection method: clinical testing. Allele origin: germline. Affected: yes.
Comment: Not observed at significant frequency in large population cohorts (gnomAD); Has not been previously published as pathogenic or benign to our knowledge; Frameshift variant predicted to result in protein truncation or nonsense mediated decay in a gene for which loss-of-function is not a known mechanism of disease